The following is an entry in ClinVar:

NM_006180.6(NTRK2):c.60G>T (p.Trp20Cys)

Gene: NTRK2 (neurotrophic receptor tyrosine kinase 2; plus strand). Cytogenetic location: 9q21.33.
Variant type: single nucleotide variant.
Coding change: c.60G>T on transcript NM_006180.6 (MANE Select); coding-DNA position 60, G replaced by T.
Protein change: p.Trp20Cys; replaces tryptophan 20 with cysteine.
Molecular consequence: missense variant.
Genome position (GRCh38, 1-based): chr9:84,670,808, G>T. VCF-style: chr9-84670808-G-T. GRCh37 (hg19) VCF-style: chr9-87285723-G-T.
Other names: c.60G>T, p.Trp20Cys (NM_001007097.3, NM_001018064.3, NM_001018065.2 and 18 more transcripts); short protein forms W20C.
Identifiers: ClinVar variation 4993547 (VCV004993547.1).

ClinVar aggregate classification (germline): Uncertain significance (1 of 4 stars; one submission).

Conditions:
NTRK2-related disorder. Also called: NTRK2-related condition.

gnomAD v4.1: 1 of 1,613,992 alleles (0.000062%); highest among the groups gnomAD compares: Non-Finnish European, 0.000085%; no homozygotes.

Submission:

PreventionGenetics, part of Exact Sciences
Classification: Uncertain significance for NTRK2-related condition. Last evaluated: 2025-09-03. Review status: criteria provided, single submitter. Criteria: ACMG Guidelines, 2015. Collection method: clinical testing. Allele origin: germline.
Comment: The NTRK2 c.60G>T variant is predicted to result in the amino acid substitution p.Trp20Cys. To our knowledge, this variant has not been reported in the literature or in a large population database (gnomAD), indicating this variant is rare. At this time, the clinical significance of this variant is uncertain due to the absence of conclusive functional and genetic evidence.